The following is an entry in ClinVar:

ClinVar aggregate classification (germline): Benign. Review status: criteria provided, multiple submitters, no conflicts (2 of 4 stars). 2 submissions from 2 submitters: Benign (2). Last evaluated 2026-02-03.

Allele frequency attached by ClinVar (database versions not stated): ESP Exome Variant Server 0.14424; ExAC 0.14503; gnomAD 0.14834 and 0.15046; TOPMed 0.16052; 1000 Genomes Project 0.20108; 1000 Genomes Project 30x 0.20284; gnomAD exomes 0.10621 and 0.14376.
gnomAD v4.1: 178,570 of 1,612,068 alleles (11%); highest among the groups gnomAD compares: East Asian, 28%; 12,419 homozygotes.

Submissions (2):

Labcorp Genetics (formerly Invitae), Labcorp
Classification: Benign. Last evaluated: 2026-02-03. Review status: criteria provided, single submitter. Criteria: Invitae Variant Classification Sherloc (09022015). Collection method: clinical testing. Allele origin: germline.

GeneDx
Classification: Benign. Last evaluated: 2016-01-20. Review status: criteria provided, single submitter. Criteria: GeneDx Variant Classification (06012015). Collection method: clinical testing. Allele origin: germline. Affected: yes.
Comment: This variant is considered likely benign or benign based on one or more of the following criteria: it is a conservative change, it occurs at a poorly conserved position in the protein, it is predicted to be benign by multiple in silico algorithms, and/or has population frequency not consistent with disease.

NM_018341.3(ERMARD):c.870C>T (p.Cys290=)

Gene: ERMARD (ER membrane associated RNA degradation; plus strand). Cytogenetic location: 6q27.
Variant type: single nucleotide variant.
Coding change: c.870C>T on transcript NM_018341.3 (MANE Select); coding-DNA position 870, C replaced by T.
Protein change: p.Cys290=; no amino-acid change (cysteine 290 retained).
Molecular consequence: synonymous variant.
Genome position (GRCh38, 1-based): chr6:169,762,441, C>T. VCF-style: chr6-169762441-C-T. GRCh37 (hg19) VCF-style: chr6-170162537-C-T.
Other names: c.870C>T, p.Cys290= (NM_001278531.2, NM_001278533.2); c.492C>T, p.Cys164= (NM_001278532.2).
Identifiers: ClinVar variation 380784 (VCV000380784.9), dbSNP rs11966349, ClinGen allele CA4106036.